The following is an entry in ClinVar:

ClinVar aggregate classification (germline): Pathogenic (1 of 4 stars; one submission).

Submission:

Labcorp Genetics (formerly Invitae), Labcorp
Classification: Pathogenic. Last evaluated: 2022-11-23. Review status: criteria provided, single submitter. Criteria: Invitae Variant Classification Sherloc (09022015). Collection method: clinical testing. Allele origin: germline.
Comment: For these reasons, this variant has been classified as Pathogenic. This variant has not been reported in the literature in individuals affected with CARMIL2-related conditions. This variant is not present in population databases (gnomAD no frequency). This sequence change creates a premature translational stop signal (p.Arg889Profs*27) in the CARMIL2 gene. It is expected to result in an absent or disrupted protein product. Loss-of-function variants in CARMIL2 are known to be pathogenic (PMID: 27647349, 28112205).

Literature cited by the submitters: PubMed 27647349; PubMed 28112205.

NM_001013838.3(CARMIL2):c.2665dup (p.Arg889fs)

Gene: CARMIL2 (capping protein regulator and myosin 1 linker 2; plus strand). Cytogenetic location: 16q22.1.
Variant type: Duplication.
Coding change: c.2665dup on transcript NM_001013838.3 (MANE Select); coding-DNA position 2665, one base duplicated (C; older notation c.2665dupC).
Protein change: p.Arg889fs; shifts the reading frame from arginine 889.
Molecular consequence: frameshift variant.
Genome position (GRCh38, 1-based): chr16:67,651,997, C duplicated; the last of 3 consecutive C bases (chr16:67,651,995-67,651,997); duplicating any one gives the same sequence. VCF-style (leftmost placement, unchanged base first): chr16-67651994-G-GC. GRCh37 (hg19) VCF-style: chr16-67685897-G-GC.
Other names: c.2557dup, p.Arg853fs (NM_001317026.3); short protein forms R889fs, R853fs.
Identifiers: ClinVar variation 2815982 (VCV002815982.3), dbSNP rs2543564513, ClinGen allele CA2739266850.